The following is an entry in ClinVar:

ClinVar aggregate classification (germline): Uncertain significance. Review status: criteria provided, multiple submitters, no conflicts (2 of 4 stars). 3 submissions from 3 submitters: Uncertain significance (3). Last evaluated 2025-08-14.

Allele frequency attached by ClinVar (database versions not stated): ExAC 0.00002; gnomAD 0.00005; TOPMed 0.00007; ESP Exome Variant Server 0.00008; gnomAD exomes 0.00010.
gnomAD v4.1: 157 of 1,614,014 alleles (0.0097%); highest among the groups gnomAD compares: Non-Finnish European, 0.012%; no homozygotes.

Submissions (3):

Ambry Genetics
Classification: Uncertain significance. Last evaluated: 2025-08-14. Review status: criteria provided, single submitter. Criteria: Ambry Variant Classification Scheme 2023. Collection method: clinical testing. Allele origin: germline.

Labcorp Genetics (formerly Invitae), Labcorp
Classification: Uncertain significance. Last evaluated: 2025-03-31. Review status: criteria provided, single submitter. Criteria: Invitae Variant Classification Sherloc (09022015). Collection method: clinical testing. Allele origin: germline.
Comment: This sequence change replaces threonine, which is neutral and polar, with methionine, which is neutral and non-polar, at codon 618 of the DSTYK protein (p.Thr618Met). This variant is present in population databases (rs374722933, gnomAD 0.01%). This variant has not been reported in the literature in individuals affected with DSTYK-related conditions. ClinVar contains an entry for this variant (Variation ID: 2167023). An algorithm developed to predict the effect of missense changes on protein structure and function (PolyPhen-2) suggests that this variant is likely to be disruptive. In summary, the available evidence is currently insufficient to determine the role of this variant in disease. Therefore, it has been classified as a Variant of Uncertain Significance.

CeGaT Center for Human Genetics Tuebingen
Classification: Uncertain significance. Last evaluated: 2023-09-01. Review status: criteria provided, single submitter. Criteria: CeGaT Center For Human Genetics Tuebingen Variant Classification Criteria Version 2. Collection method: clinical testing. Allele origin: germline. Affected: yes. Observed: 1 variant allele.

NM_015375.3(DSTYK):c.1853C>T (p.Thr618Met)

Gene: DSTYK (dual serine/threonine and tyrosine protein kinase; minus strand). Cytogenetic location: 1q32.1.
Variant type: single nucleotide variant.
Coding change: c.1853C>T on transcript NM_015375.3 (MANE Select); coding-DNA position 1853, C replaced by T.
Protein change: p.Thr618Met; replaces threonine 618 with methionine.
Molecular consequence: missense variant.
Genome position (GRCh38, 1-based): chr1:205,161,353, G>A on the plus strand (C>T on the coding strand, the complement: DSTYK is on the minus strand). VCF-style: chr1-205161353-G-A. GRCh37 (hg19) VCF-style: chr1-205130481-G-A.
Other names: c.1853C>T, p.Thr618Met (NM_199462.3); c.1853C>T (NM_015375.2); short protein forms T618M.
Identifiers: ClinVar variation 2167023 (VCV002167023.28), dbSNP rs374722933, ClinGen allele CA1352730.